The following is an entry in ClinVar:

ClinVar aggregate classification (germline): Uncertain significance (1 of 4 stars; one submission).

Conditions:
Brugada syndrome 8 (BRGDA8). Identifiers: Orphanet 130, MedGen C2751083, MONDO:0013148, OMIM 613123.

Submission:

Labcorp Genetics (formerly Invitae), Labcorp
Classification: Uncertain significance for Brugada syndrome 8. Last evaluated: 2022-10-03. Review status: criteria provided, single submitter. Criteria: Invitae Variant Classification Sherloc (09022015). Collection method: clinical testing. Allele origin: germline.
Comment: A copy number gain of the genomic region encompassing the full coding sequence of the HCN4 gene has been identified. The boundaries of this event are unknown as they extend beyond the assayed region for this gene and therefore may encompass additional genes. As the precise location of this event is unknown, it may be in tandem or it may be located elsewhere in the genome. This variant has not been reported in the literature in individuals affected with HCN4-related conditions. In summary, the available evidence is currently insufficient to determine the role of this variant in disease. Therefore, it has been classified as a Variant of Uncertain Significance.

NC_000015.9:g.(?_72847592)_(73660611_?)dup

Genes: ADPGK (ADP dependent glucokinase; minus strand), ARIH1 (ariadne RBR E3 ubiquitin protein ligase 1; plus strand), BBS4 (Bardet-Biedl syndrome 4; plus strand), GOLGA6B (golgin A6 family member B; plus strand), HCN4 (hyperpolarization activated cyclic nucleotide gated potassium channel 4; minus strand) and 1 more. Cytogenetic location: 15q24.1.
Variant type: Duplication.
Identifiers: ClinVar variation 2425358 (VCV002425358.3).